The following is an entry in ClinVar:

ClinVar aggregate classification (germline): Likely benign (1 of 4 stars; one submission).

Allele frequency attached by ClinVar (database versions not stated): ExAC 0.02178; gnomAD 0.00028.

Submission:

CeGaT Center for Human Genetics Tuebingen
Classification: Likely benign. Last evaluated: 2023-08-01. Review status: criteria provided, single submitter. Criteria: CeGaT Center For Human Genetics Tuebingen Variant Classification Criteria Version 2. Collection method: clinical testing. Allele origin: germline. Affected: yes. Observed: 1 variant allele.
Comment: MUC4: BP4, BP7

NM_018406.7(MUC4):c.10776A>G (p.Ser3592=)

Gene: MUC4 (mucin 4, cell surface associated). Cytogenetic location: 3q29.
Variant type: single nucleotide variant.
Coding change: c.10776A>G on transcript NM_018406.7 (MANE Select); coding-DNA position 10776, A replaced by G.
Protein change: p.Ser3592=; no amino-acid change (serine 3592 retained).
Molecular consequence: synonymous variant. On other transcripts: genic upstream transcript variant (2).
Genome position (GRCh38, 1-based): chr3:195,780,804, T>C on the plus strand (A>G on the coding strand, the complement: MUC4 is on the minus strand). VCF-style: chr3-195780804-T-C. GRCh37 (hg19) VCF-style: chr3-195507675-T-C.
Other names: c.15546A>G, p.Ser5182= (NM_001322468.1); c.83-6499A>G (NM_138297.5); c.83-2349A>G (NM_004532.6).
Identifiers: ClinVar variation 2654414 (VCV002654414.24), dbSNP rs200882406, ClinGen allele CA2769899.